The following is an entry in ClinVar:

ClinVar aggregate classification (germline): Uncertain significance (1 of 4 stars; one submission).

gnomAD v4.1: 2 of 1,612,576 alleles (0.00012%); highest among the groups gnomAD compares: African/African-American, 0.0013%; no homozygotes.

Submission:

Labcorp Genetics (formerly Invitae), Labcorp
Classification: Uncertain significance. Last evaluated: 2021-03-29. Review status: criteria provided, single submitter. Criteria: Invitae Variant Classification Sherloc (09022015). Collection method: clinical testing. Allele origin: germline.
Comment: In summary, the available evidence is currently insufficient to determine the role of this variant in disease. Therefore, it has been classified as a Variant of Uncertain Significance. Algorithms developed to predict the effect of missense changes on protein structure and function are either unavailable or do not agree on the potential impact of this missense change (SIFT: "Deleterious"; PolyPhen-2: "Probably Damaging"; Align-GVGD: "Class C15"). This variant has not been reported in the literature in individuals with PHYH-related conditions. This variant is not present in population databases (ExAC no frequency). This sequence change replaces arginine with proline at codon 329 of the PHYH protein (p.Arg329Pro). The arginine residue is highly conserved and there is a moderate physicochemical difference between arginine and proline.

NM_006214.4(PHYH):c.986G>C (p.Arg329Pro)

Gene: PHYH (phytanoyl-CoA 2-hydroxylase; minus strand). Cytogenetic location: 10p13.
Variant type: single nucleotide variant.
Coding change: c.986G>C on transcript NM_006214.4 (MANE Select); coding-DNA position 986, G replaced by C.
Protein change: p.Arg329Pro; replaces arginine 329 with proline.
Molecular consequence: missense variant.
Genome position (GRCh38, 1-based): chr10:13,278,332, C>G on the plus strand (G>C on the coding strand, the complement: PHYH is on the minus strand). VCF-style: chr10-13278332-C-G. GRCh37 (hg19) VCF-style: chr10-13320332-C-G.
Other names: c.686G>C, p.Arg229Pro (NM_001037537.2, NM_001323080.2); c.992G>C, p.Arg331Pro (NM_001323082.2); c.722G>C, p.Arg241Pro (NM_001323083.2); c.692G>C, p.Arg231Pro (NM_001323084.2); short protein forms R229P, R231P, R241P, R329P, R331P.
Identifiers: ClinVar variation 1461355 (VCV001461355.8), dbSNP rs144085594, ClinGen allele CA376050386.
Genomic context (GRCh38, chr10:13,278,332, plus strand): 5'-TGTTGAAAGAGTTATAGCAGATGGCTATTTCAAAGATTGGTTCTTTCTCCTTTCACAAGT[C>G]GAGCTCGAAACATCCAAATATCCTGGAAATAATATCAAACAGAGTGGGTTTATGGAACAC-3'
Protein context (NP_006205.1, residues 319-338): NLKDIWMFRA[Arg329Pro]LVKGERTNL